The following is an entry in ClinVar:

NM_002579.3(PALM):c.344C>T (p.Pro115Leu)

Gene: PALM (paralemmin; plus strand). Cytogenetic location: 19p13.3.
Variant type: single nucleotide variant.
Coding change: c.344C>T on transcript NM_002579.3 (MANE Select); coding-DNA position 344, C replaced by T.
Protein change: p.Pro115Leu; replaces proline 115 with leucine.
Molecular consequence: missense variant.
Genome position (GRCh38, 1-based): chr19:731,169, C>T. VCF-style: chr19-731169-C-T. GRCh37 (hg19) VCF-style: chr19-731169-C-T.
Other names: c.344C>T, p.Pro115Leu (NM_001040134.2); short protein forms P115L.
Identifiers: ClinVar variation 2916329 (VCV002916329.3), dbSNP rs368636400, ClinGen allele CA9022533.

ClinVar aggregate classification (germline): Uncertain significance (1 of 4 stars; one submission).

Allele frequency attached by ClinVar (database versions not stated): ExAC 0.00002; gnomAD 0.00002; gnomAD exomes 0.00002; TOPMed 0.00002; ESP Exome Variant Server 0.00008.
gnomAD v4.1: 40 of 1,609,470 alleles (0.0025%); highest among the groups gnomAD compares: Middle Eastern, 0.017%; no homozygotes.

Submission:

Labcorp Genetics (formerly Invitae), Labcorp
Classification: Uncertain significance. Last evaluated: 2023-10-05. Review status: criteria provided, single submitter. Criteria: Invitae Variant Classification Sherloc (09022015). Collection method: clinical testing. Allele origin: germline.
Comment: This sequence change replaces proline, which is neutral and non-polar, with leucine, which is neutral and non-polar, at codon 115 of the PALM protein (p.Pro115Leu). This variant is present in population databases (rs368636400, gnomAD 0.006%). This variant has not been reported in the literature in individuals affected with PALM-related conditions. An algorithm developed to predict the effect of missense changes on protein structure and function (PolyPhen-2) suggests that this variant is likely to be tolerated. In summary, the available evidence is currently insufficient to determine the role of this variant in disease. Therefore, it has been classified as a Variant of Uncertain Significance.